The following is an entry in ClinVar:

NM_001099922.3(ALG13):c.2402A>G (p.Glu801Gly)

Gene: ALG13 (ALG13 UDP-N-acetylglucosaminyltransferase subunit; plus strand). Cytogenetic location: Xq23.
Variant type: single nucleotide variant.
Coding change: c.2402A>G on transcript NM_001099922.3 (MANE Select); coding-DNA position 2402, A replaced by G.
Protein change: p.Glu801Gly; replaces glutamic acid 801 with glycine.
Molecular consequence: missense variant. On other transcripts: non-coding transcript variant (1).
Genome position (GRCh38, 1-based): chrX:111,730,525, A>G. VCF-style: chrX-111730525-A-G. GRCh37 (hg19) VCF-style: chrX-110973753-A-G.
Other names: c.2090A>G, p.Glu697Gly (NM_001257230.2, NM_001257234.2, NM_001257237.2); c.2168A>G, p.Glu723Gly (NM_001257231.2); c.2402A>G, p.Glu801Gly (NM_001324292.2); c.1916A>G, p.Glu639Gly (NM_001324293.1); short protein forms E639G, E697G, E723G, E801G.
Identifiers: ClinVar variation 1690868 (VCV001690868.2), dbSNP rs2148263704, ClinGen allele CA414253986.

ClinVar aggregate classification (germline): Uncertain significance (1 of 4 stars; one submission).

Submission:

Laboratorio de Genetica e Diagnostico Molecular, Hospital Israelita Albert Einstein
Classification: Uncertain significance. Last evaluated: 2020-04-17. Review status: criteria provided, single submitter. Criteria: ACMG Guidelines, 2015. Collection method: clinical testing. Allele origin: germline. Affected: yes.
Comment: ACMG classification criteria: PM2